The following is an entry in ClinVar:

ClinVar aggregate classification (germline): Likely benign. Review status: criteria provided, multiple submitters, no conflicts (2 of 4 stars). 3 submissions from 3 submitters: Likely benign (2). 1 of the submissions does not count toward it. Last evaluated 2026-09-01.

Conditions:
DNAH17-related disorder. Also called: DNAH17-related condition.

Allele frequency attached by ClinVar (database versions not stated): 1000 Genomes Project 0.00020; 1000 Genomes Project 30x 0.00031; ESP Exome Variant Server 0.00090; TOPMed 0.00110; gnomAD exomes 0.00159; gnomAD 0.00200; ExAC 0.00230.
gnomAD v4.1: 2,609 of 1,600,998 alleles (0.16%); highest among the groups gnomAD compares: Non-Finnish European, 0.17%; 9 homozygotes.

Submissions (3):

CeGaT Center for Human Genetics Tuebingen
Classification: Likely benign. Last evaluated: 2026-09-01. Review status: criteria provided, single submitter. Criteria: CeGaT Center For Human Genetics Tuebingen Variant Classification Criteria Version 2. Collection method: clinical testing. Allele origin: germline. Affected: yes. Observed: 5 variant alleles.
Comment: DNAH17: BP4, BP7

Blueprint Genetics
Classification: Likely benign. Last evaluated: 2024-11-27. Review status: criteria provided, single submitter. Criteria: ACMG Guidelines, 2015. Collection method: clinical testing. Allele origin: germline.

PreventionGenetics, part of Exact Sciences
Classification: Likely benign for DNAH17-related condition. Last evaluated: 2019-06-13. Review status: no assertion criteria provided. Collection method: clinical testing. Allele origin: germline. Not counted in ClinVar's aggregate classification.
Comment: This variant is classified as likely benign based on ACMG/AMP sequence variant interpretation guidelines (Richards et al. 2015 PMID: 25741868, with internal and published modifications).

NM_173628.4(DNAH17):c.2958C>A (p.Ser986=)

Genes: DNAH17 (dynein axonemal heavy chain 17; minus strand), LOC126862656 (MED14-independent group 3 enhancer GRCh37_chr17:76528450-76529649; plus strand). Cytogenetic location: 17q25.3.
Variant type: single nucleotide variant.
Coding change: c.2958C>A on transcript NM_173628.4 (MANE Select); coding-DNA position 2958, C replaced by A.
Protein change: p.Ser986=; no amino-acid change (serine 986 retained).
Molecular consequence: synonymous variant.
Genome position (GRCh38, 1-based): chr17:78,532,638, G>T on the plus strand (C>A on the coding strand, the complement: DNAH17 is on the minus strand). VCF-style: chr17-78532638-G-T. GRCh37 (hg19) VCF-style: chr17-76528720-G-T.
Other names: c.2958C>A (NM_173628.3).
Identifiers: ClinVar variation 2578800 (VCV002578800.27), dbSNP rs61738715, ClinGen allele CA8804418.